The following is an entry in ClinVar:

NM_003848.4(SUCLG2):c.554C>T (p.Pro185Leu)

Gene: SUCLG2 (succinate-CoA ligase GDP-forming subunit beta; minus strand). Cytogenetic location: 3p14.1.
Variant type: single nucleotide variant.
Coding change: c.554C>T on transcript NM_003848.4 (MANE Select); coding-DNA position 554, C replaced by T.
Protein change: p.Pro185Leu; replaces proline 185 with leucine.
Molecular consequence: missense variant.
Genome position (GRCh38, 1-based): chr3:67,520,498, G>A on the plus strand (C>T on the coding strand, the complement: SUCLG2 is on the minus strand). VCF-style: chr3-67520498-G-A. GRCh37 (hg19) VCF-style: chr3-67570922-G-A.
Other names: c.554C>T, p.Pro185Leu (NM_001177599.2); c.554C>T (NM_001177599.1); short protein forms P185L.
Identifiers: ClinVar variation 2428380 (VCV002428380.7), dbSNP rs762913452, ClinGen allele CA2485989.
Genomic context (GRCh38, chr3:67,520,498, plus strand): 5'-AATAACAATCAATTAATAGCAGGTAGCCCGGAATTTAAACATACCTTAAAAATGAGCTCC[G>A]GGTTTGAAGCAGCCACCTCTTCAATGTCGACGCCCCCCTGGGGGCTGCCCACCAGCACGG-3'
Protein context (NP_003839.2, residues 175-195): VDIEEVAASN[Pro185Leu]ELIFKEQIDI

ClinVar aggregate classification (germline): Uncertain significance. Review status: criteria provided, multiple submitters, no conflicts (2 of 4 stars). 2 submissions from 2 submitters: Uncertain significance (2). Last evaluated 2025-10-15.

Allele frequency attached by ClinVar (database versions not stated): ExAC 0.00003; 1000 Genomes Project 30x 0.00016.
gnomAD v4.1: 20 of 1,614,022 alleles (0.0012%); highest among the groups gnomAD compares: East Asian, 0.011%; no homozygotes.

Submissions (2):

Labcorp Genetics (formerly Invitae), Labcorp
Classification: Uncertain significance. Last evaluated: 2025-10-15. Review status: criteria provided, single submitter. Criteria: Invitae Variant Classification Sherloc (09022015). Collection method: clinical testing. Allele origin: germline.
Comment: This sequence change replaces proline, which is neutral and non-polar, with leucine, which is neutral and non-polar, at codon 185 of the SUCLG2 protein (p.Pro185Leu). This variant is present in population databases (rs762913452, gnomAD 0.02%). This variant has not been reported in the literature in individuals affected with SUCLG2-related conditions. ClinVar contains an entry for this variant (Variation ID: 2428380). An algorithm developed to predict the effect of missense changes on protein structure and function (PolyPhen-2) suggests that this variant is likely to be disruptive. In summary, the available evidence is currently insufficient to determine the role of this variant in disease. Therefore, it has been classified as a Variant of Uncertain Significance.

Ambry Genetics
Classification: Uncertain significance. Last evaluated: 2024-12-03. Review status: criteria provided, single submitter. Criteria: Ambry Variant Classification Scheme 2023. Collection method: clinical testing. Allele origin: germline.